The following is an entry in ClinVar:

ClinVar aggregate classification (germline): Benign (0 of 4 stars; one submission).

Conditions:
THBS2-related disorder. Also called: THBS2-related condition.

Allele frequency attached by ClinVar (database versions not stated): gnomAD exomes 0.20093; ExAC 0.22150; gnomAD 0.24244; ESP Exome Variant Server 0.24381; TOPMed 0.24815; 1000 Genomes Project 30x 0.26249; 1000 Genomes Project 0.26577.
gnomAD v4.1: 331,294 of 1,613,474 alleles (21%); highest among the groups gnomAD compares: African/African-American, 34%; 35,365 homozygotes.

Submission:

PreventionGenetics, part of Exact Sciences
Classification: Benign for THBS2-related condition. Last evaluated: 2024-08-02. Review status: no assertion criteria provided. Collection method: clinical testing. Allele origin: germline.
Comment: This variant is classified as benign based on ACMG/AMP sequence variant interpretation guidelines (Richards et al. 2015 PMID: 25741868, with internal and published modifications).

NM_003247.5(THBS2):c.3360T>C (p.Thr1120=)

Genes: THBS2 (thrombospondin 2; minus strand), THBS2-AS1 (THBS2 antisense RNA 1; plus strand). Cytogenetic location: 6q27.
Variant type: single nucleotide variant.
Coding change: c.3360T>C on transcript NM_003247.5 (MANE Select); coding-DNA position 3360, T replaced by C.
Protein change: p.Thr1120=; no amino-acid change (threonine 1120 retained).
Molecular consequence: synonymous variant. On other transcripts: non-coding transcript variant (2).
Genome position (GRCh38, 1-based): chr6:169,221,441, A>G on the plus strand (T>C on the coding strand, the complement: THBS2 is on the minus strand). VCF-style: chr6-169221441-A-G. GRCh37 (hg19) VCF-style: chr6-169621536-A-G.
Other names: c.3186T>C, p.Thr1062= (NM_001381939.1); c.3129T>C, p.Thr1043= (NM_001381942.1).
Identifiers: ClinVar variation 3060730 (VCV003060730.2), dbSNP rs1132742, ClinGen allele CA4102695.